The following is an entry in ClinVar:

NM_006766.5(KAT6A):c.2467G>T (p.Glu823Ter)

Gene: KAT6A (lysine acetyltransferase 6A; minus strand). Cytogenetic location: 8p11.21.
Variant type: single nucleotide variant.
Coding change: c.2467G>T on transcript NM_006766.5 (MANE Select); coding-DNA position 2467, G replaced by T.
Protein change: p.Glu823Ter; replaces glutamic acid 823 with a stop codon.
Molecular consequence: nonsense.
Genome position (GRCh38, 1-based): chr8:41,941,414, C>A on the plus strand (G>T on the coding strand, the complement: KAT6A is on the minus strand). VCF-style: chr8-41941414-C-A. GRCh37 (hg19) VCF-style: chr8-41798932-C-A.
Other names: short protein forms E823*.
Identifiers: ClinVar variation 4755714 (VCV004755714.1).
Genomic context (GRCh38, chr8:41,941,414, plus strand): 5'-AACTGACTGGAGCCATAACTTCTGGTTTCTTTTCACTTTCTACTGAATAAGAATCTTGTT[C>A]TTTGTTCTCATGAGACACAGACTTTCCCACCTGATTTTAGAAAATAAAACAATGCTGGTT-3'

ClinVar aggregate classification (germline): Pathogenic (1 of 4 stars; one submission).

Submission:

GeneDx
Classification: Pathogenic. Last evaluated: 2025-08-06. Review status: criteria provided, single submitter. Criteria: GeneDx Variant Classification Process June 2021. Collection method: clinical testing. Allele origin: germline. Affected: yes.
Comment: Nonsense variant predicted to result in protein truncation or nonsense mediated decay in a gene for which loss of function is a known mechanism of disease; Not observed at significant frequency in large population cohorts (gnomAD); Has not been previously published as pathogenic or benign to our knowledge